The following is an entry in ClinVar:

NM_005677.4(COLQ):c.517A>G (p.Met173Val)

Gene: COLQ (collagen like tail subunit of asymmetric acetylcholinesterase; minus strand). Cytogenetic location: 3p25.1.
Variant type: single nucleotide variant.
Coding change: c.517A>G on transcript NM_005677.4 (MANE Select); coding-DNA position 517, A replaced by G.
Protein change: p.Met173Val; replaces methionine 173 with valine.
Molecular consequence: missense variant.
Genome position (GRCh38, 1-based): chr3:15,475,436, T>C on the plus strand (A>G on the coding strand, the complement: COLQ is on the minus strand). VCF-style: chr3-15475436-T-C. GRCh37 (hg19) VCF-style: chr3-15516943-T-C.
Other names: c.487A>G, p.Met163Val (NM_080538.2); c.415A>G, p.Met139Val (NM_080539.4); short protein forms M173V, M139V, M163V.
Identifiers: ClinVar variation 536238 (VCV000536238.10), dbSNP rs750324839, ClinGen allele CA2276136.

ClinVar aggregate classification (germline): Uncertain significance. Review status: criteria provided, multiple submitters, no conflicts (2 of 4 stars). 2 submissions from 2 submitters: Uncertain significance (2). Last evaluated 2024-10-17.

Conditions:
Inborn genetic diseases. Identifiers: MedGen C0950123, MeSH D030342.
Congenital myasthenic syndrome 5. Identifiers: Orphanet 590, MedGen C1864233, MONDO:0011281, OMIM 603034.

Allele frequency attached by ClinVar (database versions not stated): ExAC below 0.00001; TOPMed 0.00001; gnomAD 0.00002; gnomAD exomes 0.00003.

Submissions (2):

Labcorp Genetics (formerly Invitae), Labcorp
Classification: Uncertain significance for Congenital myasthenic syndrome 5. Last evaluated: 2024-10-17. Review status: criteria provided, single submitter. Criteria: Invitae Variant Classification Sherloc (09022015). Collection method: clinical testing. Allele origin: germline.
Comment: This sequence change replaces methionine, which is neutral and non-polar, with valine, which is neutral and non-polar, at codon 173 of the COLQ protein (p.Met173Val). This variant is present in population databases (rs750324839, gnomAD 0.01%). This variant has not been reported in the literature in individuals affected with COLQ-related conditions. ClinVar contains an entry for this variant (Variation ID: 536238). Invitae Evidence Modeling of protein sequence and biophysical properties (such as structural, functional, and spatial information, amino acid conservation, physicochemical variation, residue mobility, and thermodynamic stability) indicates that this missense variant is not expected to disrupt COLQ protein function with a negative predictive value of 80%. In summary, the available evidence is currently insufficient to determine the role of this variant in disease. Therefore, it has been classified as a Variant of Uncertain Significance.

Ambry Genetics
Classification: Uncertain significance for Inborn genetic diseases. Last evaluated: 2023-05-23. Review status: criteria provided, single submitter. Criteria: Ambry Variant Classification Scheme 2023. Collection method: clinical testing. Allele origin: germline.